The following is an entry in ClinVar:

ClinVar aggregate classification (germline): Uncertain significance (1 of 4 stars; one submission).

Conditions:
Arrhythmogenic cardiomyopathy with wooly hair and keratoderma. Also called: Carvajal syndrome; PALMOPLANTAR KERATODERMA WITH LEFT VENTRICULAR CARDIOMYOPATHY AND WOOLLY HAIR; Dilated cardiomyopathy with woolly hair and keratoderma; Arrhythmogenic cardiomyopathy with woolly hair and keratoderma. Identifiers: Orphanet 65282, MedGen C1854063, MONDO:0011581, OMIM 605676.
Arrhythmogenic right ventricular dysplasia 8 (ARVD8). Also called: Arrhythmogenic Right Ventricular Dysplasia/Cardiomyopathy 8; ARRHYTHMOGENIC RIGHT VENTRICULAR DYSPLASIA, FAMILIAL, 8; ARRHYTHMOGENIC RIGHT VENTRICULAR CARDIOMYOPATHY 8. Identifiers: MedGen C1843896, MONDO:0011831, OMIM 607450.

Submission:

Labcorp Genetics (formerly Invitae), Labcorp
Classification: Uncertain significance for Arrhythmogenic cardiomyopathy with wooly hair and keratoderma; Arrhythmogenic right ventricular dysplasia 8. Last evaluated: 2025-07-27. Review status: criteria provided, single submitter. Criteria: Invitae Variant Classification Sherloc (09022015). Collection method: clinical testing. Allele origin: germline.
Comment: This sequence change replaces leucine, which is neutral and non-polar, with proline, which is neutral and non-polar, at codon 2198 of the DSP protein (p.Leu2198Pro). This variant is not present in population databases (gnomAD no frequency). This variant has not been reported in the literature in individuals affected with DSP-related conditions. An algorithm developed to predict the effect of missense changes on protein structure and function (PolyPhen-2) suggests that this variant is likely to be disruptive. In summary, the available evidence is currently insufficient to determine the role of this variant in disease. Therefore, it has been classified as a Variant of Uncertain Significance.

NM_004415.4(DSP):c.6593T>C (p.Leu2198Pro)

Gene: DSP (desmoplakin; plus strand). Cytogenetic location: 6p24.3.
Variant type: single nucleotide variant.
Coding change: c.6593T>C on transcript NM_004415.4 (MANE Select); coding-DNA position 6593, T replaced by C.
Protein change: p.Leu2198Pro; replaces leucine 2198 with proline.
Molecular consequence: missense variant.
Genome position (GRCh38, 1-based): chr6:7,583,855, T>C. VCF-style: chr6-7583855-T-C. GRCh37 (hg19) VCF-style: chr6-7584088-T-C.
Other names: c.4796T>C, p.Leu1599Pro (NM_001008844.3); c.5264T>C, p.Leu1755Pro (NM_001319034.2); short protein forms L1755P, L2198P, L1599P.
Identifiers: ClinVar variation 4785684 (VCV004785684.1).